The following is an entry in ClinVar:

ClinVar aggregate classification (germline): Conflicting classifications of pathogenicity. Review status: criteria provided, conflicting classifications (1 of 4 stars). 5 submissions from 5 submitters: Uncertain significance (2); Likely benign (1). 2 of the submissions do not count toward it. Last evaluated 2025-09-02.

Conditions:
Hereditary cancer-predisposing syndrome. Also called: Hereditary Cancer Syndrome; Hereditary neoplastic syndrome; Neoplastic Syndromes, Hereditary; Tumor predisposition. Identifiers: Orphanet 140162, MedGen C0027672, MeSH D009386, MONDO:0015356.
Hereditary cancer. Identifiers: MedGen C1333600.
Bloom syndrome (BLM). Also called: Bloom-Torre-Machacek syndrome. Identifiers: Orphanet 125, MedGen C0005859, MONDO:0008876, OMIM 210900.
BLM-related disorder. Also called: BLM-related condition.

Allele frequency attached by ClinVar (database versions not stated): TOPMed 0.00006.
gnomAD v4.1: 10 of 1,602,580 alleles (0.00062%); highest among the groups gnomAD compares: Admixed American, 0.016%; no homozygotes.

Submissions (5):

Ambry Genetics
Classification: Uncertain significance for Hereditary cancer-predisposing syndrome. Last evaluated: 2025-09-02. Review status: criteria provided, single submitter. Criteria: Ambry Variant Classification Scheme 2023. Collection method: clinical testing. Allele origin: germline.
Comment: The p.S181R variant (also known as c.543C>A), located in coding exon 2 of the BLM gene, results from a C to A substitution at nucleotide position 543. The serine at codon 181 is replaced by arginine, an amino acid with dissimilar properties. This amino acid position is well conserved in available vertebrate species. In addition, this alteration is predicted to be tolerated by in silico analysis. Since supporting evidence is limited at this time, the clinical significance of this alteration remains unclear.

Labcorp Genetics (formerly Invitae), Labcorp
Classification: Uncertain significance for Bloom syndrome. Last evaluated: 2025-01-01. Review status: criteria provided, single submitter. Criteria: Invitae Variant Classification Sherloc (09022015). Collection method: clinical testing. Allele origin: germline.
Comment: This sequence change replaces serine, which is neutral and polar, with arginine, which is basic and polar, at codon 181 of the BLM protein (p.Ser181Arg). The frequency data for this variant in the population databases is considered unreliable, as metrics indicate poor data quality at this position in the gnomAD database. This missense change has been observed in individual(s) with kidney cancer (PMID: 35957908). ClinVar contains an entry for this variant (Variation ID: 405277). An algorithm developed to predict the effect of missense changes on protein structure and function (PolyPhen-2) suggests that this variant is likely to be disruptive. In summary, the available evidence is currently insufficient to determine the role of this variant in disease. Therefore, it has been classified as a Variant of Uncertain Significance.

Mendelics
Classification: Likely benign for Hereditary cancer. Last evaluated: 2024-01-23. Review status: criteria provided, single submitter. Criteria: ACMG Guidelines, 2015. Collection method: clinical testing. Allele origin: unknown.

PreventionGenetics, part of Exact Sciences
Classification: Uncertain significance for BLM-related condition. Last evaluated: 2024-09-01. Review status: no assertion criteria provided. Collection method: clinical testing. Allele origin: germline. Not counted in ClinVar's aggregate classification.
Comment: The BLM c.543C>A variant is predicted to result in the amino acid substitution p.Ser181Arg. This variant was reported as a variant of uncertain significance in 12 Brazilian breast cancer patients (Supplementary Table 3. Guindalini et al. 2022. PubMed ID: 35264596). This variant is reported in 0.0061% of alleles in individuals of Latino descent in gnomAD and has conflicting classifications of pathogenicity in ClinVar ranging from likely benign to uncertain significance. At this time, the clinical significance of this variant is uncertain due to the absence of conclusive functional and genetic evidence.

Natera, Inc.
Classification: Uncertain significance for Bloom syndrome. Last evaluated: 2020-09-16. Review status: no assertion criteria provided. Collection method: clinical testing. Allele origin: germline. Not counted in ClinVar's aggregate classification.

Literature cited by the submitters: PubMed 35957908 (cited by Labcorp Genetics (formerly Invitae), Labcorp).

NM_000057.4(BLM):c.543C>A (p.Ser181Arg)

Gene: BLM (BLM RecQ like helicase; plus strand). Cytogenetic location: 15q26.1.
Variant type: single nucleotide variant.
Coding change: c.543C>A on transcript NM_000057.4 (MANE Select); coding-DNA position 543, C replaced by A.
Protein change: p.Ser181Arg; replaces serine 181 with arginine.
Molecular consequence: missense variant. On other transcripts: 5 prime UTR variant (1).
Genome position (GRCh38, 1-based): chr15:90,749,811, C>A. VCF-style: chr15-90749811-C-A. GRCh37 (hg19) VCF-style: chr15-91293041-C-A.
Other names: c.543C>A, p.Ser181Arg (NM_001287246.2, NM_001287247.2); c.-749C>A (NM_001287248.2); short protein forms S181R.
Identifiers: ClinVar variation 405277 (VCV000405277.19), dbSNP rs761288442, ClinGen allele CA7738307.